The following is an entry in ClinVar:

ClinVar aggregate classification (germline): Likely benign. Review status: criteria provided, multiple submitters, no conflicts (2 of 4 stars). 3 submissions from 3 submitters: Likely benign (2). 1 of the submissions does not count toward it. Last evaluated 2022-08-24.

Conditions:
Inborn genetic diseases. Identifiers: MedGen C0950123, MeSH D030342.
RAI1-related disorder. Also called: RAI1-related condition.

Allele frequency attached by ClinVar (database versions not stated): ExAC 0.00002.
gnomAD v4.1: 7 of 1,612,882 alleles (0.00043%); highest among the groups gnomAD compares: South Asian, 0.0044%; no homozygotes.

Submissions (3):

Labcorp Genetics (formerly Invitae), Labcorp
Classification: Likely benign. Last evaluated: 2022-08-24. Review status: criteria provided, single submitter. Criteria: Invitae Variant Classification Sherloc (09022015). Collection method: clinical testing. Allele origin: germline.

Ambry Genetics
Classification: Likely benign for Inborn genetic diseases. Last evaluated: 2020-02-13. Review status: criteria provided, single submitter. Criteria: Ambry Variant Classification Scheme 2023. Collection method: clinical testing. Allele origin: germline.

PreventionGenetics, part of Exact Sciences
Classification: Likely benign for RAI1-related condition. Last evaluated: 2019-12-09. Review status: no assertion criteria provided. Collection method: clinical testing. Allele origin: germline. Not counted in ClinVar's aggregate classification.
Comment: This variant is classified as likely benign based on ACMG/AMP sequence variant interpretation guidelines (Richards et al. 2015 PMID: 25741868, with internal and published modifications).

NM_030665.4(RAI1):c.780G>A (p.Gly260=)

Gene: RAI1 (retinoic acid induced 1; plus strand). Cytogenetic location: 17p11.2.
Variant type: single nucleotide variant.
Coding change: c.780G>A on transcript NM_030665.4 (MANE Select); coding-DNA position 780, G replaced by A.
Protein change: p.Gly260=; no amino-acid change (glycine 260 retained).
Molecular consequence: synonymous variant.
Genome position (GRCh38, 1-based): chr17:17,793,728, G>A. VCF-style: chr17-17793728-G-A. GRCh37 (hg19) VCF-style: chr17-17697042-G-A.
Identifiers: ClinVar variation 1760735 (VCV001760735.8), dbSNP rs747275238, ClinGen allele CA8418190.